The following is an entry in ClinVar:

NM_058216.3(RAD51C):c.940A>G (p.Ile314Val)

Gene: RAD51C (RAD51 paralog C; plus strand). Cytogenetic location: 17q22.
Variant type: single nucleotide variant.
Coding change: c.940A>G on transcript NM_058216.3 (MANE Select); coding-DNA position 940, A replaced by G.
Protein change: p.Ile314Val; replaces isoleucine 314 with valine.
Molecular consequence: missense variant. On other transcripts: non-coding transcript variant (1).
Genome position (GRCh38, 1-based): chr17:58,724,075, A>G. VCF-style: chr17-58724075-A-G. GRCh37 (hg19) VCF-style: chr17-56801436-A-G.
Other names: c.*368A>G (NM_058217.1); short protein forms I314V.
Identifiers: ClinVar variation 2774200 (VCV002774200.2), dbSNP rs2143962384, ClinGen allele CA400361446.
Genomic context (GRCh38, chr17:58,724,075, plus strand): 5'-CAGTTATTATGTTTTTTACTCTCAGGGGAAAGTTGGGGACATGCTGCTACAATACGGCTA[A>G]TCTTTCATTGGGACCGAAAGCAAAGGTCAGTACAGAAACAAGTTAATAACTCCGAATATT-3'
Protein context (NP_478123.1, residues 304-324): SWGHAATIRL[Ile314Val]FHWDRKQRLA

ClinVar aggregate classification (germline): Uncertain significance (1 of 4 stars; one submission).

Conditions:
Hereditary cancer-predisposing syndrome. Also called: Hereditary neoplastic syndrome; Hereditary Cancer Syndrome; Neoplastic Syndromes, Hereditary; Tumor predisposition. Identifiers: Orphanet 140162, MedGen C0027672, MeSH D009386, MONDO:0015356.

Submission:

Color Diagnostics, LLC DBA Color Health
Classification: Uncertain significance for Hereditary cancer-predisposing syndrome. Last evaluated: 2023-04-01. Review status: criteria provided, single submitter. Criteria: ACMG Guidelines, 2015. Collection method: clinical testing. Allele origin: germline.
Comment: This missense variant replaces isoleucine with valine at codon 314 of the RAD51C protein. Computational prediction suggests that this variant may not impact protein structure and function (internally defined REVEL score threshold <= 0.5, PMID: 27666373). To our knowledge, functional studies have not been reported for this variant. This variant has not been reported in individuals affected with RAD51C-related disorders in the literature. This variant has not been identified in the general population by the Genome Aggregation Database (gnomAD). The available evidence is insufficient to determine the role of this variant in disease conclusively. Therefore, this variant is classified as a Variant of Uncertain Significance.